The following is an entry in ClinVar:

NM_004360.5(CDH1):c.2194C>T (p.Arg732Trp)

Gene: CDH1 (cadherin 1; plus strand). Cytogenetic location: 16q22.1.
Variant type: single nucleotide variant.
Coding change: c.2194C>T on transcript NM_004360.5 (MANE Select); coding-DNA position 2194, C replaced by T.
Protein change: p.Arg732Trp; replaces arginine 732 with tryptophan.
Molecular consequence: missense variant.
Genome position (GRCh38, 1-based): chr16:68,828,203, C>T. VCF-style: chr16-68828203-C-T. GRCh37 (hg19) VCF-style: chr16-68862106-C-T.
Other names: c.2194C>T (LRG_301t1); c.2011C>T, p.Arg671Trp (NM_001317184.2); c.646C>T, p.Arg216Trp (NM_001317185.2); c.229C>T, p.Arg77Trp (NM_001317186.2); short protein forms R732W, R216W, R671W, R77W.
Identifiers: ClinVar variation 219662 (VCV000219662.31), dbSNP rs864622198, ClinGen allele CA347994.

ClinVar aggregate classification (germline): Conflicting classifications of pathogenicity. Review status: criteria provided, conflicting classifications (1 of 4 stars). 10 submissions from 10 submitters: Likely pathogenic (2); Uncertain significance (7). 1 of the submissions does not count toward it. Last evaluated 2026-02-02.

Conditions:
Hereditary cancer-predisposing syndrome. Also called: Tumor predisposition; Hereditary neoplastic syndrome; Neoplastic Syndromes, Hereditary; Hereditary Cancer Syndrome. Identifiers: Orphanet 140162, MedGen C0027672, MeSH D009386, MONDO:0015356.
Hereditary diffuse gastric adenocarcinoma (HDGC). Also called: DIFFUSE GASTRIC AND LOBULAR BREAST CANCER SYNDROME. Identifiers: Orphanet 26106, MedGen C1708349, MONDO:0007648, OMIM 137215.
Familial cancer of breast. Also called: hereditary breast carcinoma; Hereditary breast cancer; BREAST CANCER, FAMILIAL. Identifiers: Orphanet 227535, MedGen C0346153, MONDO:0016419, OMIM 114480. Disease mechanism: loss of function.

Allele frequency attached by ClinVar (database versions not stated): gnomAD exomes below 0.00001; TOPMed below 0.00001; gnomAD 0.00001.
gnomAD v4.1: 7 of 1,613,858 alleles (0.00043%); highest among the groups gnomAD compares: East Asian, 0.0022%; no homozygotes.

Submissions (10):

Labcorp Genetics (formerly Invitae), Labcorp
Classification: Likely pathogenic for Hereditary diffuse gastric adenocarcinoma. Last evaluated: 2026-02-02. Review status: criteria provided, single submitter. Criteria: Invitae Variant Classification Sherloc (09022015). Collection method: clinical testing. Allele origin: germline.
Comment: This sequence change replaces arginine, which is basic and polar, with tryptophan, which is neutral and slightly polar, at codon 732 of the CDH1 protein (p.Arg732Trp). RNA analysis indicates that this missense change induces altered splicing and may result in an absent or altered protein product. This variant is present in population databases (no rsID available, gnomAD 0.06%). This missense change has been observed in individuals with hereditary diffuse gastric cancer (internal data). ClinVar contains an entry for this variant (Variation ID: 219662). An algorithm developed to predict the effect of missense changes on protein structure and function (PolyPhen-2) suggests that this variant is likely to be disruptive. Studies have shown that this missense change results in activation of a cryptic splice site, and produces a non-functional protein and/or introduces a premature termination codon (internal data). In summary, the currently available evidence indicates that the variant is pathogenic, but additional data are needed to prove that conclusively. Therefore, this variant has been classified as Likely Pathogenic.

Ambry Genetics
Classification: Uncertain significance for Hereditary cancer-predisposing syndrome. Last evaluated: 2025-12-10. Review status: criteria provided, single submitter. Criteria: Ambry Variant Classification Scheme 2023. Collection method: clinical testing. Allele origin: germline.
Comment: The p.R732W variant (also known as c.2194C>T), located in coding exon 14 of the CDH1 gene, results from a C to T substitution at nucleotide position 2194. The arginine at codon 732 is replaced by tryptophan, an amino acid with dissimilar properties. This amino acid position is highly conserved in available vertebrate species. In addition, the in silico prediction for this alteration is inconclusive. Based on the available evidence, the clinical significance of this variant remains unclear.

KCCC/NGS Laboratory, Kuwait Cancer Control Center
Classification: Likely pathogenic for Familial cancer of breast. Last evaluated: 2025-07-08. Review status: criteria provided, single submitter. Criteria: ACMG Guidelines, 2015. Collection method: clinical testing. Allele origin: germline. Inheritance: Autosomal dominant inheritance. Affected: yes. Observed: 1 heterozygote.
Comment: This sequence change replaces arginine, which is basic and polar, with tryptophan, which is neutral and slightly polar, at codon 732 of the CDH1 protein (p.Arg732Trp). This amino acid position is highly conserved. RNA analysis indicates that this missense change induces altered splicing and may result in an absent or altered protein product. This variant is present in population databases (no rsID available, gnomAD 0.06%). This missense change has been observed in individuals with hereditary diffuse gastric cancer .This variant is associated with the following publications: (PMID: 15235021, 22850631, 26580448) . ClinVar contains an entry for this variant (Variation ID: 219662). In addition, the in silico prediction for this alteration is inconclusive. In summary, the currently available evidence indicates that the variant is pathogenic, but additional data are needed to prove that conclusively. Therefore, this variant has been classified as Likely Pathogenic.

Baylor Genetics
Classification: Uncertain significance for Familial cancer of breast. Last evaluated: 2024-03-07. Review status: criteria provided, single submitter. Criteria: ACMG Guidelines, 2015. Collection method: clinical testing. Allele origin: unknown.

Color Diagnostics, LLC DBA Color Health
Classification: Uncertain significance for Hereditary cancer-predisposing syndrome. Last evaluated: 2023-05-05. Review status: criteria provided, single submitter. Criteria: ACMG Guidelines, 2015. Collection method: clinical testing. Allele origin: germline.
Comment: This missense variant replaces arginine with tryptophan at codon 732 of the CDH1 protein. Splice site prediction tools suggest that this variant may activate a cryptic splice acceptor site, but this has not been demonstrated by experimental studies. This variant has been reported in an individual affected with neuroblastoma in the literature (PMID: 26580448). Another missense variant at this position is classified as Likely Pathogenic in ClinVar (Variation ID: 406663) due to the creation of a de novo splice acceptor site and aberrant splicing (PMID: 15235021, 17545690, 18442100, 26072394). This variant has been identified in 1/31374 chromosomes in the general population by the Genome Aggregation Database (gnomAD). The available evidence is insufficient to determine the role of this variant in disease conclusively. Therefore, this variant is classified as a Variant of Uncertain Significance.

Myriad Genetics, Inc.
Classification: Uncertain significance for Hereditary diffuse gastric adenocarcinoma. Last evaluated: 2023-03-03. Review status: criteria provided, single submitter. Criteria: Myriad Autosomal Dominant, Autosomal Recessive and X-Linked Classification Criteria (2023). Collection method: clinical testing. Allele origin: unknown.
Comment: This variant is classified as a variant of uncertain significance as there is insufficient evidence to determine its impact on protein function and/or cancer risk.

European Reference Network on Genetic Tumour Risk Syndromes (ERN-GENTURIS), i3s - Instituto de Investigação e Inovação em Saúde, University of Porto
Classification: Uncertain significance for Hereditary diffuse gastric adenocarcinoma. Last evaluated: 2022-08-01. Review status: criteria provided, single submitter. Criteria: Lee et al. (Hum Mutat. 2018). Collection method: clinical testing. Allele origin: germline. Inheritance: Autosomal dominant inheritance. Affected: no. Study: ERN GENTURIS.
Comment: Not applicable criteria (PMID: 30311375)

MGZ Medical Genetics Center
Classification: Uncertain significance for Familial cancer of breast. Last evaluated: 2022-06-03. Review status: criteria provided, single submitter. Criteria: ACMG Guidelines, 2015. Collection method: clinical testing. Allele origin: germline. Affected: yes. Observed: 1 variant allele.
Comment: ACMG criteria applied: PM5, PM2_SUP, BP4

GeneDx
Classification: Uncertain significance. Last evaluated: 2021-12-13. Review status: criteria provided, single submitter. Criteria: GeneDx Variant Classification Process June 2021. Collection method: clinical testing. Allele origin: germline. Affected: yes.
Comment: Not observed at significant frequency in large population cohorts (Lek 2016); In silico analysis supports that this missense variant has a deleterious effect on protein structure/function; In silico analysis, which includes splice predictors and evolutionary conservation, suggests this variant may impact gene splicing. In the absence of RNA/functional studies, the actual effect of this sequence change is unknown.; Observed in an individual with pediatric cancer undergoing either whole exome of genome sequencing (Zhang 2015); This variant is associated with the following publications: (PMID: 15235021, 22850631, 26580448)

Counsyl
Classification: Uncertain significance for Hereditary diffuse gastric adenocarcinoma. Last evaluated: 2016-08-02. Review status: no assertion criteria provided. Collection method: clinical testing. Allele origin: unknown. Not counted in ClinVar's aggregate classification.

Literature cited by the submitters: PubMed 15235021 (cited by Color Diagnostics, LLC DBA Color Health); PubMed 17545690 (cited by Color Diagnostics, LLC DBA Color Health); PubMed 18442100 (cited by Color Diagnostics, LLC DBA Color Health); PubMed 26072394 (cited by Color Diagnostics, LLC DBA Color Health); PubMed 26580448 (cited by Color Diagnostics, LLC DBA Color Health and Counsyl); PubMed 36436516 (cited by European Reference Network on Genetic Tumour Risk Syndromes (ERN-GENTURIS), i3s - Instituto de Investigação e Inovação em Saúde, University of Porto).